The following is an entry in ClinVar:

ClinVar aggregate classification (germline): Uncertain significance (1 of 4 stars; one submission).

gnomAD v4.1: 3 of 1,612,600 alleles (0.00019%); highest among the groups gnomAD compares: Admixed American, 0.0017%; no homozygotes.

Submission:

Labcorp Genetics (formerly Invitae), Labcorp
Classification: Uncertain significance. Last evaluated: 2025-04-04. Review status: criteria provided, single submitter. Criteria: Invitae Variant Classification Sherloc (09022015). Collection method: clinical testing. Allele origin: germline.
Comment: This sequence change replaces proline, which is neutral and non-polar, with leucine, which is neutral and non-polar, at codon 605 of the SCNN1B protein (p.Pro605Leu). This variant is not present in population databases (gnomAD no frequency). This variant has not been reported in the literature in individuals affected with SCNN1B-related conditions. An algorithm developed to predict the effect of missense changes on protein structure and function (PolyPhen-2) suggests that this variant is likely to be tolerated. In summary, the available evidence is currently insufficient to determine the role of this variant in disease. Therefore, it has been classified as a Variant of Uncertain Significance.

NM_000336.3(SCNN1B):c.1814C>T (p.Pro605Leu)

Gene: SCNN1B (sodium channel epithelial 1 subunit beta; plus strand). Cytogenetic location: 16p12.2.
Variant type: single nucleotide variant.
Coding change: c.1814C>T on transcript NM_000336.3 (MANE Select); coding-DNA position 1814, C replaced by T.
Protein change: p.Pro605Leu; replaces proline 605 with leucine.
Molecular consequence: missense variant.
Genome position (GRCh38, 1-based): chr16:23,380,692, C>T. VCF-style: chr16-23380692-C-T. GRCh37 (hg19) VCF-style: chr16-23392013-C-T.
Other names: c.1706C>T, p.Pro569Leu (NM_001410900.1); short protein forms P605L, P569L.
Identifiers: ClinVar variation 4705002 (VCV004705002.1).